The following is an entry in ClinVar:

ClinVar aggregate classification (germline): Uncertain significance (1 of 4 stars; one submission).

Conditions:
Fanconi anemia (FA). Also called: Fanconi's anemia. Identifiers: Orphanet 84, MedGen C0015625, MeSH D005199, MONDO:0019391.

Submission:

Labcorp Genetics (formerly Invitae), Labcorp
Classification: Uncertain significance for Fanconi anemia. Last evaluated: 2023-03-03. Review status: criteria provided, single submitter. Criteria: Invitae Variant Classification Sherloc (09022015). Collection method: clinical testing. Allele origin: germline.
Comment: This variant has not been reported in the literature in individuals affected with FANCF-related conditions. In summary, the available evidence is currently insufficient to determine the role of this variant in disease. Therefore, it has been classified as a Variant of Uncertain Significance. Advanced modeling of protein sequence and biophysical properties (such as structural, functional, and spatial information, amino acid conservation, physicochemical variation, residue mobility, and thermodynamic stability) performed at Invitae indicates that this missense variant is not expected to disrupt FANCF protein function. This variant is not present in population databases (gnomAD no frequency). This sequence change replaces proline, which is neutral and non-polar, with serine, which is neutral and polar, at codon 185 of the FANCF protein (p.Pro185Ser).

NM_022725.4(FANCF):c.553C>T (p.Pro185Ser)

Gene: FANCF (FA complementation group F; minus strand). Cytogenetic location: 11p14.3.
Variant type: single nucleotide variant.
Coding change: c.553C>T on transcript NM_022725.4 (MANE Select); coding-DNA position 553, C replaced by T.
Protein change: p.Pro185Ser; replaces proline 185 with serine.
Molecular consequence: missense variant.
Genome position (GRCh38, 1-based): chr11:22,625,258, G>A on the plus strand (C>T on the coding strand, the complement: FANCF is on the minus strand). VCF-style: chr11-22625258-G-A. GRCh37 (hg19) VCF-style: chr11-22646804-G-A.
Other names: short protein forms P185S.
Identifiers: ClinVar variation 2751038 (VCV002751038.3), dbSNP rs1366316961, ClinGen allele CA380058807.